The following is an entry in ClinVar:

NM_024675.4(PALB2):c.1980T>C (p.Ser660=)

Gene: PALB2 (partner and localizer of BRCA2; minus strand). Cytogenetic location: 16p12.2.
Variant type: single nucleotide variant.
Coding change: c.1980T>C on transcript NM_024675.4 (MANE Select); coding-DNA position 1980, T replaced by C.
Protein change: p.Ser660=; no amino-acid change (serine 660 retained).
Molecular consequence: synonymous variant.
Genome position (GRCh38, 1-based): chr16:23,630,174, A>G on the plus strand (T>C on the coding strand, the complement: PALB2 is on the minus strand). VCF-style: chr16-23630174-A-G. GRCh37 (hg19) VCF-style: chr16-23641495-A-G.
Identifiers: ClinVar variation 668438 (VCV000668438.2), dbSNP rs1597090541, ClinGen allele CA494461091.

ClinVar aggregate classification (germline): Likely benign. Review status: criteria provided, multiple submitters, no conflicts (2 of 4 stars). 2 submissions from 2 submitters: Likely benign (2). Last evaluated 2025-05-28.

Conditions:
Familial cancer of breast. Also called: BREAST CANCER, FAMILIAL; hereditary breast carcinoma; Hereditary breast cancer. Identifiers: Orphanet 227535, MedGen C0346153, MONDO:0016419, OMIM 114480. Disease mechanism: loss of function.

Submissions (2):

Labcorp Genetics (formerly Invitae), Labcorp
Classification: Likely benign for Familial cancer of breast. Last evaluated: 2025-05-28. Review status: criteria provided, single submitter. Criteria: Invitae Variant Classification Sherloc (09022015). Collection method: clinical testing. Allele origin: germline.

GeneDx
Classification: Likely benign. Last evaluated: 2018-05-14. Review status: criteria provided, single submitter. Criteria: GeneDx Variant Classification (06012015). Collection method: clinical testing. Allele origin: germline. Affected: yes.
Comment: This variant is considered likely benign or benign based on one or more of the following criteria: it is a conservative change, it occurs at a poorly conserved position in the protein, it is predicted to be benign by multiple in silico algorithms, and/or has population frequency not consistent with disease.